The following is an entry in ClinVar:

ClinVar aggregate classification (germline): Uncertain significance (1 of 4 stars; one submission).

Submission:

Labcorp Genetics (formerly Invitae), Labcorp
Classification: Uncertain significance. Last evaluated: 2024-03-12. Review status: criteria provided, single submitter. Criteria: Invitae Variant Classification Sherloc (09022015). Collection method: clinical testing. Allele origin: germline.
Comment: This sequence change affects a donor splice site in intron 10 of the COL9A2 gene. Variants that disrupt the donor or acceptor splice site typically lead to a loss of protein function (PMID:16199547), however it is unknown whether splice variants in this region will result in a loss of function. This variant is not present in population databases (gnomAD no frequency). This variant has not been reported in the literature in individuals affected with COL9A2-related conditions. Algorithms developed to predict the effect of sequence changes on RNA splicing suggest that this variant may disrupt the consensus splice site. In summary, the available evidence is currently insufficient to determine the role of this variant in disease. Therefore, it has been classified as a Variant of Uncertain Significance.

Literature cited by the submitters: PubMed 16199547.

NM_001852.4(COL9A2):c.519+1G>C

Gene: COL9A2 (collagen type IX alpha 2 chain; minus strand). Cytogenetic location: 1p34.2.
Variant type: single nucleotide variant.
Coding change: c.519+1G>C on transcript NM_001852.4 (MANE Select); the canonical splice donor site of the intron after coding-DNA position 519, G replaced by C.
Molecular consequence: splice donor variant.
Genome position (GRCh38, 1-based): chr1:40,311,499, C>G on the plus strand (G>C on the coding strand, the complement: COL9A2 is on the minus strand). VCF-style: chr1-40311499-C-G. GRCh37 (hg19) VCF-style: chr1-40777171-C-G.
Identifiers: ClinVar variation 3644655 (VCV003644655.2).